The following is an entry in ClinVar:

ClinVar aggregate classification (germline): Uncertain significance. Review status: criteria provided, multiple submitters, no conflicts (2 of 4 stars). 2 submissions from 2 submitters: Uncertain significance (2). Last evaluated 2025-03-04.

Conditions:
Costello syndrome (CSTLO). Also called: FACIOCUTANEOSKELETAL SYNDROME; FCS SYNDROME; HRAS-Related Costello Syndrome. Identifiers: Orphanet 3071, MedGen C0587248, MONDO:0009026, OMIM 218040.

Submissions (2):

Labcorp Genetics (formerly Invitae), Labcorp
Classification: Uncertain significance for Costello syndrome. Last evaluated: 2025-03-04. Review status: criteria provided, single submitter. Criteria: Invitae Variant Classification Sherloc (09022015). Collection method: clinical testing. Allele origin: germline.
Comment: This sequence change replaces aspartic acid, which is acidic and polar, with tyrosine, which is neutral and polar, at codon 33 of the HRAS protein (p.Asp33Tyr). This variant is not present in population databases (gnomAD no frequency). This variant has not been reported in the literature in individuals affected with HRAS-related conditions. Invitae Evidence Modeling of protein sequence and biophysical properties (such as structural, functional, and spatial information, amino acid conservation, physicochemical variation, residue mobility, and thermodynamic stability) indicates that this missense variant is expected to disrupt HRAS protein function with a positive predictive value of 80%. In summary, the available evidence is currently insufficient to determine the role of this variant in disease. Therefore, it has been classified as a Variant of Uncertain Significance.

Blueprint Genetics
Classification: Uncertain significance. Last evaluated: 2024-02-26. Review status: criteria provided, single submitter. Criteria: ACMG Guidelines, 2015. Collection method: clinical testing. Allele origin: germline.

NM_005343.4(HRAS):c.97G>T (p.Asp33Tyr)

Genes: HRAS (HRas proto-oncogene, GTPase; minus strand), LRRC56 (leucine rich repeat containing 56; plus strand). Cytogenetic location: 11p15.5.
Variant type: single nucleotide variant.
Coding change: c.97G>T on transcript NM_005343.4 (MANE Select); coding-DNA position 97, G replaced by T.
Protein change: p.Asp33Tyr; replaces aspartic acid 33 with tyrosine.
Molecular consequence: missense variant. On other transcripts: 5 prime UTR variant (1), intron variant (2).
Genome position (GRCh38, 1-based): chr11:534,226, C>A on the plus strand (G>T on the coding strand, the complement: HRAS is on the minus strand). VCF-style: chr11-534226-C-A. GRCh37 (hg19) VCF-style: chr11-534226-C-A.
Other names: c.97G>T, p.Asp33Tyr (NM_001130442.3, NM_176795.5); c.-223G>T (NM_001318054.2); c.-161-5354C>A (NM_001441284.1, NM_001441286.1); short protein forms D33Y.
Identifiers: ClinVar variation 4803233 (VCV004803233.2).